The following is an entry in ClinVar:

NM_001048174.2(MUTYH):c.160T>G (p.Ser54Ala)

Gene: MUTYH (mutY DNA glycosylase; minus strand). Cytogenetic location: 1p34.1.
Variant type: single nucleotide variant.
Coding change: c.160T>G on transcript NM_001048174.2 (MANE Select); coding-DNA position 160, T replaced by G.
Protein change: p.Ser54Ala; replaces serine 54 with alanine.
Molecular consequence: missense variant. On other transcripts: 5 prime UTR variant (1), non-coding transcript variant (5), intron variant (5).
Genome position (GRCh38, 1-based): chr1:45,333,517, A>C on the plus strand (T>G on the coding strand, the complement: MUTYH is on the minus strand). VCF-style: chr1-45333517-A-C. GRCh37 (hg19) VCF-style: chr1-45799189-A-C.
Other names: c.160T>G, p.Ser54Ala (NM_001048171.2, NM_001048173.2, NM_001293195.2 and 6 more transcripts); c.163T>G, p.Ser55Ala (NM_001048172.2, NM_001407071.1, NM_001407078.1 and 2 more transcripts); c.244T>G, p.Ser82Ala (NM_001128425.2); c.205T>G, p.Ser69Ala (NM_001293190.2); c.193T>G, p.Ser65Ala (NM_001293191.2, NM_001407077.1); c.-112T>G (NM_001350650.2); c.235T>G, p.Ser79Ala (NM_001407069.1, NM_012222.3); c.202T>G, p.Ser68Ala (NM_001407073.1, NM_001407083.1, NM_001407085.1); and 4 more; short protein forms S54A, S61A, S68A, S79A, S65A, S69A, S26A, S55A.
Identifiers: ClinVar variation 4113546 (VCV004113546.1).

ClinVar aggregate classification (germline): Uncertain significance (1 of 4 stars; one submission).

Conditions:
Hereditary cancer-predisposing syndrome. Also called: Hereditary neoplastic syndrome; Neoplastic Syndromes, Hereditary; Tumor predisposition; Hereditary Cancer Syndrome. Identifiers: Orphanet 140162, MedGen C0027672, MeSH D009386, MONDO:0015356.

Submission:

Ambry Genetics
Classification: Uncertain significance for Hereditary cancer-predisposing syndrome. Last evaluated: 2025-08-27. Review status: criteria provided, single submitter. Criteria: Ambry Variant Classification Scheme 2023. Collection method: clinical testing. Allele origin: germline.
Comment: The p.S82A variant (also known as c.244T>G), located in coding exon 3 of the MUTYH gene, results from a T to G substitution at nucleotide position 244. The serine at codon 82 is replaced by alanine, an amino acid with similar properties. This amino acid position is conserved. In addition, this alteration is predicted to be tolerated by in silico analysis. Based on the available evidence, the clinical significance of this variant remains unclear.